The following is an entry in ClinVar:

NM_006904.7(PRKDC):c.1372T>G (p.Cys458Gly)

Gene: PRKDC (protein kinase, DNA-activated, catalytic subunit; minus strand). Cytogenetic location: 8q11.21.
Variant type: single nucleotide variant.
Coding change: c.1372T>G on transcript NM_006904.7 (MANE Select); coding-DNA position 1372, T replaced by G.
Protein change: p.Cys458Gly; replaces cysteine 458 with glycine.
Molecular consequence: missense variant.
Genome position (GRCh38, 1-based): chr8:47,935,807, A>C on the plus strand (T>G on the coding strand, the complement: PRKDC is on the minus strand). VCF-style: chr8-47935807-A-C. GRCh37 (hg19) VCF-style: chr8-48848367-A-C.
Other names: c.1372T>G, p.Cys458Gly (NM_001081640.2); short protein forms C458G.
Identifiers: ClinVar variation 1771086 (VCV001771086.2), dbSNP rs2090340242, ClinGen allele CA371165813.

ClinVar aggregate classification (germline): Uncertain significance (1 of 4 stars; one submission).

Submission:

Ambry Genetics
Classification: Uncertain significance. Last evaluated: 2022-03-31. Review status: criteria provided, single submitter. Criteria: Ambry Variant Classification Scheme 2023. Collection method: clinical testing. Allele origin: germline.
Comment: The p.C458G variant (also known as c.1372T>G), located in coding exon 13 of the PRKDC gene, results from a T to G substitution at nucleotide position 1372. The cysteine at codon 458 is replaced by glycine, an amino acid with highly dissimilar properties. This amino acid position is conserved. In addition, this alteration is predicted to be tolerated by in silico analysis. Since supporting evidence is limited at this time, the clinical significance of this alteration remains unclear.